The following is an entry in ClinVar:

NM_000360.4(TH):c.503G>A (p.Arg168Lys)

Gene: TH (tyrosine hydroxylase; minus strand). Cytogenetic location: 11p15.5.
Variant type: single nucleotide variant.
Coding change: c.503G>A on transcript NM_000360.4 (MANE Select); coding-DNA position 503, G replaced by A.
Protein change: p.Arg168Lys; replaces arginine 168 with lysine.
Molecular consequence: missense variant.
Genome position (GRCh38, 1-based): chr11:2,168,164, C>T on the plus strand (G>A on the coding strand, the complement: TH is on the minus strand). VCF-style: chr11-2168164-C-T. GRCh37 (hg19) VCF-style: chr11-2189394-C-T.
Other names: c.596G>A, p.Arg199Lys (NM_199292.3); c.584G>A, p.Arg195Lys (NM_199293.3); short protein forms R168K, R195K, R199K.
Identifiers: ClinVar variation 2868531 (VCV002868531.3), dbSNP rs2495817893, ClinGen allele CA379128630.
Genomic context (GRCh38, chr11:2,168,164, plus strand): 5'-TCCAGGTCAGGGTCGAACTTGGTGACCAGGTGATGACACTTGTCCAGCTCTGACACTTTT[C>T]TTGGGAACCAGGGGACTTTATGGGTGATGGAGGAAGAGATCTTGGTGAGCTCGGAGCCGT-3'
Protein context (NP_000351.2, residues 158-178): PAGPKVPWFP[Arg168Lys]KVSELDKCHH

ClinVar aggregate classification (germline): Uncertain significance (1 of 4 stars; one submission).

Conditions:
TH-deficient dopa-responsive dystonia. Also called: Tyrosine Hydroxylase-Deficient Dopa-Responsive Dystonia; Segawa syndrome, autosomal recessive; DYT-TH. Identifiers: Orphanet 101150, MedGen C2673535, MONDO:0011551, OMIM 605407.

Submission:

Labcorp Genetics (formerly Invitae), Labcorp
Classification: Uncertain significance for TH-deficient dopa-responsive dystonia. Last evaluated: 2023-11-08. Review status: criteria provided, single submitter. Criteria: Invitae Variant Classification Sherloc (09022015). Collection method: clinical testing. Allele origin: germline.
Comment: This sequence change replaces arginine, which is basic and polar, with lysine, which is basic and polar, at codon 199 of the TH protein (p.Arg199Lys). This variant is not present in population databases (gnomAD no frequency). This variant has not been reported in the literature in individuals affected with TH-related conditions. Algorithms developed to predict the effect of missense changes on protein structure and function output the following: SIFT: "Not Available"; PolyPhen-2: "Benign"; Align-GVGD: "Not Available". The lysine amino acid residue is found in multiple mammalian species, which suggests that this missense change does not adversely affect protein function. In summary, the available evidence is currently insufficient to determine the role of this variant in disease. Therefore, it has been classified as a Variant of Uncertain Significance.